The following is an entry in ClinVar:

ClinVar aggregate classification (germline): Likely benign. Review status: criteria provided, multiple submitters, no conflicts (2 of 4 stars). 4 submissions from 4 submitters: Likely benign (3). 1 of the submissions does not count toward it. Last evaluated 2024-10-21.

Conditions:
CREBBP-related disorder. Also called: CREBBP-related disorders; CREBBP-related condition.
Rubinstein-Taybi syndrome (RSTS). Identifiers: Orphanet 783, MedGen C0035934, MONDO:0019188.

Allele frequency attached by ClinVar (database versions not stated): ExAC 0.00001; gnomAD exomes 0.00001; gnomAD 0.00003; TOPMed 0.00005; ESP Exome Variant Server 0.00008.
gnomAD v4.1: 22 of 1,614,210 alleles (0.0014%); highest among the groups gnomAD compares: Middle Eastern, 0.066%; 1 homozygote.

Submissions (4):

Blueprint Genetics
Classification: Likely benign. Last evaluated: 2024-10-21. Review status: criteria provided, single submitter. Criteria: ACMG Guidelines, 2015. Collection method: clinical testing. Allele origin: germline.

Labcorp Genetics (formerly Invitae), Labcorp
Classification: Likely benign for Rubinstein-Taybi syndrome. Last evaluated: 2023-10-06. Review status: criteria provided, single submitter. Criteria: Invitae Variant Classification Sherloc (09022015). Collection method: clinical testing. Allele origin: germline.

CeGaT Center for Human Genetics Tuebingen
Classification: Likely benign. Last evaluated: 2022-03-01. Review status: criteria provided, single submitter. Criteria: CeGaT Center For Human Genetics Tuebingen Variant Classification Criteria Version 2. Collection method: clinical testing. Allele origin: germline. Affected: yes. Observed: 1 variant allele.
Comment: CREBBP: BP4, BP7

PreventionGenetics, part of Exact Sciences
Classification: Likely benign for CREBBP-related condition. Last evaluated: 2022-06-15. Review status: no assertion criteria provided. Collection method: clinical testing. Allele origin: germline. Not counted in ClinVar's aggregate classification.
Comment: This variant is classified as likely benign based on ACMG/AMP sequence variant interpretation guidelines (Richards et al. 2015 PMID: 25741868, with internal and published modifications).

NM_004380.3(CREBBP):c.4263C>T (p.Cys1421=)

Gene: CREBBP (CREB binding lysine acetyltransferase; minus strand). Cytogenetic location: 16p13.3.
Variant type: single nucleotide variant.
Coding change: c.4263C>T on transcript NM_004380.3 (MANE Select); coding-DNA position 4263, C replaced by T.
Protein change: p.Cys1421=; no amino-acid change (cysteine 1421 retained).
Molecular consequence: synonymous variant.
Genome position (GRCh38, 1-based): chr16:3,739,595, G>A on the plus strand (C>T on the coding strand, the complement: CREBBP is on the minus strand). VCF-style: chr16-3739595-G-A. GRCh37 (hg19) VCF-style: chr16-3789596-G-A.
Other names: c.4149C>T, p.Cys1383= (NM_001079846.1); c.4263C>T (NM_004380.2).
Identifiers: ClinVar variation 2646134 (VCV002646134.29), dbSNP rs61731413, ClinGen allele CA7869577.
Genomic context (GRCh38, chr16:3,739,595, plus strand): 5'-CGGCTCACTGAATGACACGCCCTGGAAGGAGCTGGAAAACTACCTCGTGTTTGGAGGGGG[G>A]CAATCAGAGCCGTATTCTTGGACGTGCATTCCAAAAAAGCAGACATCCACGCCGTCAATT-3'
Protein context (NP_004371.2, residues 1411-1431): GMHVQEYGSD[Cys1421=]PPPNTRRVYI